The following is an entry in ClinVar:

ClinVar aggregate classification (germline): Likely benign (1 of 4 stars; one submission).

Submission:

GeneDx
Classification: Likely benign. Last evaluated: 2018-09-05. Review status: criteria provided, single submitter. Criteria: GeneDx Variant Classification Process June 2021. Collection method: clinical testing. Allele origin: germline. Affected: yes.
Comment: See Variant Classification Assertion Criteria.

NM_014612.5(FAM120A):c.2151C>T (p.Cys717=)

Gene: FAM120A (family with sequence similarity 120 member A; plus strand). Cytogenetic location: 9q22.31.
Variant type: single nucleotide variant.
Coding change: c.2151C>T on transcript NM_014612.5 (MANE Select); coding-DNA position 2151, C replaced by T.
Protein change: p.Cys717=; no amino-acid change (cysteine 717 retained).
Molecular consequence: synonymous variant.
Genome position (GRCh38, 1-based): chr9:93,543,463, C>T. VCF-style: chr9-93543463-C-T. GRCh37 (hg19) VCF-style: chr9-96305745-C-T.
Other names: c.2148C>T, p.Cys716= (NM_001286722.2, NM_001439106.1); c.2235C>T, p.Cys745= (NM_001439102.1, NM_001439104.1); c.2232C>T, p.Cys744= (NM_001439103.1); c.2151C>T, p.Cys717= (NM_001439105.1, NM_001439107.1).
Identifiers: ClinVar variation 4795409 (VCV004795409.1).
Genomic context (GRCh38, chr9:93,543,463, plus strand): 5'-GGACACCCCAGCCATGCTCAACCCTGCCAACGTGCCCACTCACCTCATGGTGCTCTGCTG[C>T]GTCTTACGGTGGGTGCCATGCATGGGAGCTGGGACCTGGGTCCCCGCCAGGTGTAGGGGC-3'
Protein context (NP_055427.2, residues 707-727): NVPTHLMVLC[Cys717=]VLRYMVQWPG